The following is an entry in ClinVar:

NM_002471.4(MYH6):c.1757C>T (p.Thr586Ile)

Gene: MYH6 (myosin heavy chain 6; minus strand). Cytogenetic location: 14q11.2.
Variant type: single nucleotide variant.
Coding change: c.1757C>T on transcript NM_002471.4 (MANE Select); coding-DNA position 1757, C replaced by T.
Protein change: p.Thr586Ile; replaces threonine 586 with isoleucine.
Molecular consequence: missense variant.
Genome position (GRCh38, 1-based): chr14:23,398,862, G>A on the plus strand (C>T on the coding strand, the complement: MYH6 is on the minus strand). VCF-style: chr14-23398862-G-A. GRCh37 (hg19) VCF-style: chr14-23868071-G-A.
Other names: short protein forms T586I.
Identifiers: ClinVar variation 3297476 (VCV003297476.1).

ClinVar aggregate classification (germline): Uncertain significance (1 of 4 stars; one submission).

Conditions:
Cardiovascular phenotype. Identifiers: MedGen CN230736.

Submission:

Ambry Genetics
Classification: Uncertain significance for Cardiovascular phenotype. Last evaluated: 2024-03-16. Review status: criteria provided, single submitter. Criteria: Ambry Variant Classification Scheme 2023. Collection method: clinical testing. Allele origin: germline.
Comment: The p.T586I variant (also known as c.1757C>T), located in coding exon 13 of the MYH6 gene, results from a C to T substitution at nucleotide position 1757. The threonine at codon 586 is replaced by isoleucine, an amino acid with similar properties. This amino acid position is conserved. In addition, the in silico prediction for this alteration is inconclusive. Based on the available evidence, the clinical significance of this alteration remains unclear.